The following is an entry in ClinVar:

ClinVar aggregate classification (germline): Uncertain significance (1 of 4 stars; one submission).

Conditions:
Fanconi anemia (FA). Also called: Fanconi's anemia. Identifiers: Orphanet 84, MedGen C0015625, MeSH D005199, MONDO:0019391.

Submissions (2):

Labcorp Genetics (formerly Invitae), Labcorp
Classification: Uncertain significance for Fanconi anemia. Last evaluated: 2023-03-06. Review status: criteria provided, single submitter. Criteria: Invitae Variant Classification Sherloc (09022015). Collection method: clinical testing. Allele origin: germline.
Comment: This sequence change affects codon 499 of the FANCB mRNA. It is a 'silent' change, meaning that it does not change the encoded amino acid sequence of the FANCB protein. It affects a nucleotide within the consensus splice site. This variant is not present in population databases (gnomAD no frequency). This variant has not been reported in the literature in individuals affected with FANCB-related conditions. Algorithms developed to predict the effect of sequence changes on RNA splicing suggest that this variant may disrupt the consensus splice site. In summary, the available evidence is currently insufficient to determine the role of this variant in disease. Therefore, it has been classified as a Variant of Uncertain Significance.

Dr. Peter K. Rogan Lab, Western University
No classification provided (evidence only). Condition: Nonpapillary renal cell carcinoma. Review status: no classification provided. Collection method: in vitro. Allele origin: not applicable. Functional consequence: retained intron. Not counted in ClinVar's aggregate classification.

NM_001018113.3(FANCB):c.1497G>T (p.Leu499=)

Gene: FANCB (FA complementation group B; minus strand). Cytogenetic location: Xp22.2.
Variant type: single nucleotide variant.
Coding change: c.1497G>T on transcript NM_001018113.3 (MANE Select); coding-DNA position 1497, G replaced by T.
Protein change: p.Leu499=; no amino-acid change (leucine 499 retained).
Molecular consequence: synonymous variant.
Genome position (GRCh38, 1-based): chrX:14,845,286, C>A on the plus strand (G>T on the coding strand, the complement: FANCB is on the minus strand). VCF-style: chrX-14845286-C-A. GRCh37 (hg19) VCF-style: chrX-14863408-C-A.
Other names: c.1497G>T, p.Leu499= (NM_001324162.2, NM_001410764.1, NM_152633.4).
Identifiers: ClinVar variation 2842630 (VCV002842630.4), dbSNP rs2518954563, ClinGen allele CA515636978.
Genomic context (GRCh38, chrX:14,845,286, plus strand): 5'-CCGAAATCTGGAGTCATGGGCTTGATCCATTAACAATGATAAAGTCACATCATTCAGGGA[C>A]CTGTAAAAAACCCAGACTTTGGTTTAATCTAAAAGCTCATTCTTTAAAATCAAATTGATG-3'
Protein context (NP_001018123.1, residues 489-509): VGVKTTSSLK[Leu499=]SLNDVTLSLL